The following is an entry in ClinVar:

ClinVar aggregate classification (germline): Benign (1 of 4 stars; one submission).

Allele frequency attached by ClinVar (database versions not stated): TOPMed 0.99204; gnomAD 0.99257 and 0.99318; 1000 Genomes Project 30x 0.99407; 1000 Genomes Project 0.99441.
gnomAD v4.1: 151,338 of 152,368 alleles (99%); highest among the groups gnomAD compares: East Asian, 100%; 75,168 homozygotes.

Submission:

GeneDx
Classification: Benign. Last evaluated: 2018-06-19. Review status: criteria provided, single submitter. Criteria: GeneDx Variant Classification (06012015). Collection method: clinical testing. Allele origin: germline. Affected: yes.
Comment: This variant is considered likely benign or benign based on one or more of the following criteria: it is a conservative change, it occurs at a poorly conserved position in the protein, it is predicted to be benign by multiple in silico algorithms, and/or has population frequency not consistent with disease.

NM_000430.4(PAFAH1B1):c.901-346T>C

Gene: PAFAH1B1 (platelet activating factor acetylhydrolase 1b regulatory subunit 1; plus strand). Cytogenetic location: 17p13.3.
Variant type: single nucleotide variant.
Coding change: c.901-346T>C on transcript NM_000430.4 (MANE Select); 346 bases into the intron before coding-DNA position 901, T replaced by C.
Molecular consequence: intron variant.
Genome position (GRCh38, 1-based): chr17:2,676,159, T>C. VCF-style: chr17-2676159-T-C. GRCh37 (hg19) VCF-style: chr17-2579453-T-C.
Identifiers: ClinVar variation 667542 (VCV000667542.1), dbSNP rs4790354, ClinGen allele CA286908625.